The following is an entry in ClinVar:

ClinVar aggregate classification (germline): Uncertain significance (1 of 4 stars; one submission).

Submission:

Labcorp Genetics (formerly Invitae), Labcorp
Classification: Uncertain significance. Last evaluated: 2024-05-11. Review status: criteria provided, single submitter. Criteria: Invitae Variant Classification Sherloc (09022015). Collection method: clinical testing. Allele origin: germline.
Comment: This sequence change creates a premature translational stop signal (p.Gly549Ilefs*2) in the SRP72 gene. It is expected to result in an absent or disrupted protein product. However, the current clinical and genetic evidence is not sufficient to establish whether loss-of-function variants in SRP72 cause disease. This variant is not present in population databases (gnomAD no frequency). This variant has not been reported in the literature in individuals affected with SRP72-related conditions. Algorithms developed to predict the effect of sequence changes on RNA splicing suggest that this variant may create or strengthen a splice site. In summary, the available evidence is currently insufficient to determine the role of this variant in disease. Therefore, it has been classified as a Variant of Uncertain Significance.

NM_006947.4(SRP72):c.1645_1648del (p.Gly549fs)

Gene: SRP72 (signal recognition particle 72; plus strand). Cytogenetic location: 4q12.
Variant type: Deletion.
Coding change: c.1645_1648del on transcript NM_006947.4 (MANE Select); coding-DNA positions 1645 to 1648, 4 bases deleted (GGAG; older notation c.1645_1648delGGAG).
Protein change: p.Gly549fs; shifts the reading frame from glycine 549.
Molecular consequence: frameshift variant. On other transcripts: non-coding transcript variant (1).
Genome position (GRCh38, 1-based): chr4:56,495,361-56,495,364, GGAG deleted; deleting any 4 consecutive bases within chr4:56,495,359-56,495,364 gives the same sequence; the c. name uses the placement nearest the transcript's 3' end. VCF-style (leftmost placement, unchanged base first): chr4-56495358-CAGGG-C. GRCh37 (hg19) VCF-style: chr4-57361524-CAGGG-C.
Other names: c.1462_1465del, p.Gly488fs (NM_001267722.2); short protein forms G488fs, G549fs.
Identifiers: ClinVar variation 3687047 (VCV003687047.2).